The following is an entry in ClinVar:

NM_170754.4(TNS2):c.1859G>A (p.Arg620Gln)

Gene: TNS2 (tensin 2; plus strand). Cytogenetic location: 12q13.13.
Variant type: single nucleotide variant.
Coding change: c.1859G>A on transcript NM_170754.4 (MANE Select); coding-DNA position 1859, G replaced by A.
Protein change: p.Arg620Gln; replaces arginine 620 with glutamine.
Molecular consequence: missense variant.
Genome position (GRCh38, 1-based): chr12:53,059,500, G>A. VCF-style: chr12-53059500-G-A. GRCh37 (hg19) VCF-style: chr12-53453284-G-A.
Other names: c.1859G>A, p.Arg620Gln (NM_001416202.1); c.1817G>A, p.Arg606Gln (NM_001416203.1); c.1886G>A, p.Arg629Gln (NM_001416204.1); c.1790G>A, p.Arg597Gln (NM_015319.3); c.1487G>A, p.Arg496Gln (NM_198316.2); short protein forms R597Q, R620Q, R606Q, R629Q, R496Q.
Identifiers: ClinVar variation 2993925 (VCV002993925.3), dbSNP rs559767672, ClinGen allele CA6592459.
Genomic context (GRCh38, chr12:53,059,500, plus strand): 5'-AGCCCTGCGGGGTTCCCAATGGGGGCTACTACCGGCCAGAGGGAACCCTGGAGAGGAGGC[G>A]ACTGGCCTACGGGGGCTATGAGGGATCCCCCCAGGGCTACGCCGAGGCCTCGATGGAGAA-3'
Protein context (NP_736610.2, residues 610-630): YRPEGTLERR[Arg620Gln]LAYGGYEGSP

ClinVar aggregate classification (germline): Uncertain significance (1 of 4 stars; one submission).

Allele frequency attached by ClinVar (database versions not stated): gnomAD exomes 0.00003; ExAC 0.00008; TOPMed 0.00006; gnomAD 0.00005.
gnomAD v4.1: 48 of 1,572,036 alleles (0.0031%); highest among the groups gnomAD compares: East Asian, 0.025%; no homozygotes.

Submission:

Labcorp Genetics (formerly Invitae), Labcorp
Classification: Uncertain significance. Last evaluated: 2025-06-24. Review status: criteria provided, single submitter. Criteria: Invitae Variant Classification Sherloc (09022015). Collection method: clinical testing. Allele origin: germline.
Comment: This sequence change replaces arginine, which is basic and polar, with glutamine, which is neutral and polar, at codon 630 of the TNS2 protein (p.Arg630Gln). This variant is present in population databases (rs559767672, gnomAD 0.05%). This variant has not been reported in the literature in individuals affected with TNS2-related conditions. ClinVar contains an entry for this variant (Variation ID: 2993925). An algorithm developed to predict the effect of missense changes on protein structure and function (PolyPhen-2) suggests that this variant is likely to be disruptive. In summary, the available evidence is currently insufficient to determine the role of this variant in disease. Therefore, it has been classified as a Variant of Uncertain Significance.